The following is an entry in ClinVar:

ClinVar aggregate classification (germline): Uncertain significance (1 of 4 stars; one submission).

Submission:

Labcorp Genetics (formerly Invitae), Labcorp
Classification: Uncertain significance. Last evaluated: 2024-07-01. Review status: criteria provided, single submitter. Criteria: Invitae Variant Classification Sherloc (09022015). Collection method: clinical testing. Allele origin: germline.
Comment: This variant, c.90_92del, results in the deletion of 1 amino acid(s) of the TOP2B protein (p.Glu31del), but otherwise preserves the integrity of the reading frame. This variant is present in population databases (rs754989083, gnomAD 0.0009%). This variant has not been reported in the literature in individuals affected with TOP2B-related conditions. Experimental studies and prediction algorithms are not available or were not evaluated, and the functional significance of this variant is currently unknown. In summary, the available evidence is currently insufficient to determine the role of this variant in disease. Therefore, it has been classified as a Variant of Uncertain Significance.

NM_001330700.2(TOP2B):c.102AGA[1] (p.Glu36del)

Gene: TOP2B (DNA topoisomerase II beta; minus strand). Cytogenetic location: 3p24.2.
Variant type: Microsatellite.
Coding change: c.102AGA[1] on transcript NM_001330700.2 (MANE Select); one copy of the 3-base unit AGA starting at c.102; the reference has two copies in a row; one copy, 3 bases deleted.
Protein change: p.Glu36del; deletes glutamic acid 36.
Molecular consequence: inframe deletion.
Genome position (GRCh38, 1-based): chr3:25,645,433-25,645,435, TCT deleted on the plus strand (AGA on the coding strand, the reverse complement: TOP2B is on the minus strand); deleting any 3 consecutive bases within chr3:25,645,433-25,645,439 gives the same sequence; the position shown is the placement nearest the transcript's 3' end. VCF-style (leftmost placement, unchanged base first): chr3-25645432-CTCT-C. GRCh37 (hg19) VCF-style: chr3-25686923-CTCT-C.
Other names: c.87AGA[1], p.Glu31del (NM_001068.3); short protein forms E31del, E36del.
Identifiers: ClinVar variation 2911711 (VCV002911711.3), dbSNP rs754989083, ClinGen allele CA2288977.